The following is an entry in ClinVar:

NM_002392.6(MDM2):c.431T>C (p.Leu144Pro)

Gene: MDM2 (MDM2 proto-oncogene; plus strand). Cytogenetic location: 12q15.
Variant type: single nucleotide variant.
Coding change: c.431T>C on transcript NM_002392.6 (MANE Select); coding-DNA position 431, T replaced by C.
Protein change: p.Leu144Pro; replaces leucine 144 with proline.
Molecular consequence: missense variant. On other transcripts: intron variant (3).
Genome position (GRCh38, 1-based): chr12:68,824,559, T>C. VCF-style: chr12-68824559-T-C. GRCh37 (hg19) VCF-style: chr12-69218339-T-C.
Other names: c.413T>C, p.Leu138Pro (NM_001145337.3, NM_001367990.1); c.358+4185T>C (NM_001145339.2); c.156+10931T>C (NM_001278462.2, NM_001145340.3); c.431T>C (NM_002392.3); short protein forms L144P, L138P.
Identifiers: ClinVar variation 2165333 (VCV002165333.5), dbSNP rs2136138396, ClinGen allele CA385706078.

ClinVar aggregate classification (germline): Conflicting classifications of pathogenicity. Review status: criteria provided, conflicting classifications (1 of 4 stars). 2 submissions from 2 submitters: Uncertain significance (1); Likely benign (1). Last evaluated 2022-10-12.

Conditions:
Accelerated tumor formation, susceptibility to (ACTFS). Identifiers: MedGen C3280690, OMIM 614401, MONDO:0013733.

Allele frequency attached by ClinVar (database versions not stated): gnomAD exomes below 0.00001.
gnomAD v4.1: 2 of 1,613,106 alleles (0.00012%); highest among the groups gnomAD compares: Non-Finnish European, 0.00017%; no homozygotes.

Submissions (2):

Ambry Genetics
Classification: Likely benign. Last evaluated: 2022-10-12. Review status: criteria provided, single submitter. Criteria: Ambry Variant Classification Scheme 2023. Collection method: clinical testing. Allele origin: germline.

Labcorp Genetics (formerly Invitae), Labcorp
Classification: Uncertain significance for Accelerated tumor formation, susceptibility to. Last evaluated: 2022-07-09. Review status: criteria provided, single submitter. Criteria: Invitae Variant Classification Sherloc (09022015). Collection method: clinical testing. Allele origin: germline.
Comment: This sequence change replaces leucine, which is neutral and non-polar, with proline, which is neutral and non-polar, at codon 144 of the MDM2 protein (p.Leu144Pro). This variant is not present in population databases (gnomAD no frequency). This variant has not been reported in the literature in individuals affected with MDM2-related conditions. Algorithms developed to predict the effect of missense changes on protein structure and function output the following: SIFT: "Tolerated"; PolyPhen-2: "Benign"; Align-GVGD: "Class C0". The proline amino acid residue is found in multiple mammalian species, which suggests that this missense change does not adversely affect protein function. In summary, the available evidence is currently insufficient to determine the role of this variant in disease. Therefore, it has been classified as a Variant of Uncertain Significance.